The following is an entry in ClinVar:

ClinVar aggregate classification (germline): Benign. Review status: criteria provided, multiple submitters, no conflicts (2 of 4 stars). 3 submissions from 3 submitters: Benign (2). 1 of the submissions does not count toward it. Last evaluated 2017-05-09.

Conditions:
TMPRSS5-related disorder. Also called: TMPRSS5-related condition.

Allele frequency attached by ClinVar (database versions not stated): 1000 Genomes Project 30x 0.03998; 1000 Genomes Project 0.04193; TOPMed 0.07004; gnomAD 0.07558 and 0.07660; ESP Exome Variant Server 0.07960; gnomAD exomes 0.08377; ExAC 0.12645.
gnomAD v4.1: 161,485 of 1,582,320 alleles (10%); highest among the groups gnomAD compares: Non-Finnish European, 12%; 9,178 homozygotes.

Submissions (3):

GeneDx
Classification: Benign. Last evaluated: 2017-05-09. Review status: criteria provided, single submitter. Criteria: GeneDx Variant Classification (06012015). Collection method: clinical testing. Allele origin: germline. Affected: yes.
Comment: This variant is considered likely benign or benign based on one or more of the following criteria: it is a conservative change, it occurs at a poorly conserved position in the protein, it is predicted to be benign by multiple in silico algorithms, and/or has population frequency not consistent with disease.

Breakthrough Genomics
Classification: Benign. Review status: criteria provided, single submitter. Criteria: ACMG Guidelines, 2015. Collection method: not provided. Allele origin: germline. Inheritance: Unknown mechanism. Affected: yes.

PreventionGenetics, part of Exact Sciences
Classification: Benign for TMPRSS5-related condition. Last evaluated: 2019-12-19. Review status: no assertion criteria provided. Collection method: clinical testing. Allele origin: germline. Not counted in ClinVar's aggregate classification.
Comment: This variant is classified as benign based on ACMG/AMP sequence variant interpretation guidelines (Richards et al. 2015 PMID: 25741868, with internal and published modifications).

NM_030770.4(TMPRSS5):c.137G>A (p.Arg46Gln)

Gene: TMPRSS5 (transmembrane serine protease 5; minus strand). Cytogenetic location: 11q23.2.
Variant type: single nucleotide variant.
Coding change: c.137G>A on transcript NM_030770.4 (MANE Select); coding-DNA position 137, G replaced by A.
Protein change: p.Arg46Gln; replaces arginine 46 with glutamine.
Molecular consequence: missense variant.
Genome position (GRCh38, 1-based): chr11:113,699,663, C>T on the plus strand (G>A on the coding strand, the complement: TMPRSS5 is on the minus strand). VCF-style: chr11-113699663-C-T. GRCh37 (hg19) VCF-style: chr11-113570385-C-T.
Other names: c.5G>A, p.Arg2Gln (NM_001288749.2, NM_001288750.2); c.110G>A, p.Arg37Gln (NM_001288751.2); c.137G>A, p.Arg46Gln (NM_001288752.2); short protein forms R46Q, R2Q, R37Q.
Identifiers: ClinVar variation 508123 (VCV000508123.4), dbSNP rs11601425, ClinGen allele CA6281915.